The following is an entry in ClinVar:

ClinVar aggregate classification (germline): Likely benign (0 of 4 stars; one submission).

Conditions:
NLRP5-related disorder. Also called: NLRP5-related condition.

Allele frequency attached by ClinVar (database versions not stated): ExAC 0.00020; TOPMed 0.00012; gnomAD 0.00021; gnomAD exomes 0.00015; ESP Exome Variant Server 0.00016.
gnomAD v4.1: 262 of 1,613,930 alleles (0.016%); highest among the groups gnomAD compares: Non-Finnish European, 0.019%; no homozygotes.

Submission:

PreventionGenetics, part of Exact Sciences
Classification: Likely benign for NLRP5-related condition. Last evaluated: 2019-07-19. Review status: no assertion criteria provided. Collection method: clinical testing. Allele origin: germline.
Comment: This variant is classified as likely benign based on ACMG/AMP sequence variant interpretation guidelines (Richards et al. 2015 PMID: 25741868, with internal and published modifications).

NM_001433705.1(NLRP5):c.1905C>T (p.Asp635=)

Gene: NLRP5 (NLR family pyrin domain containing 5; plus strand). Cytogenetic location: 19q13.43.
Variant type: single nucleotide variant.
Coding change: c.1905C>T on transcript NM_001433705.1 (MANE Select); coding-DNA position 1905, C replaced by T.
Protein change: p.Asp635=; no amino-acid change (aspartic acid 635 retained).
Molecular consequence: synonymous variant.
Genome position (GRCh38, 1-based): chr19:56,028,291, C>T. VCF-style: chr19-56028291-C-T. GRCh37 (hg19) VCF-style: chr19-56539657-C-T.
Other names: NM_153447.4:c.2058C>T.
Identifiers: ClinVar variation 3050163 (VCV003050163.2), dbSNP rs374537249, ClinGen allele CA9685744.